The following is an entry in ClinVar:

ClinVar aggregate classification (germline): Likely benign (1 of 4 stars; one submission).

Allele frequency attached by ClinVar (database versions not stated): gnomAD 0.00759 and 0.00868; TOPMed 0.00902; 1000 Genomes Project 0.01637; 1000 Genomes Project 30x 0.01733.
gnomAD v4.1: 1,314 of 152,344 alleles (0.86%); highest among the groups gnomAD compares: South Asian, 4.6%; 15 homozygotes.

Submission:

GeneDx
Classification: Likely benign. Last evaluated: 2018-06-14. Review status: criteria provided, single submitter. Criteria: GeneDx Variant Classification (06012015). Collection method: clinical testing. Allele origin: germline. Affected: yes.
Comment: This variant is considered likely benign or benign based on one or more of the following criteria: it is a conservative change, it occurs at a poorly conserved position in the protein, it is predicted to be benign by multiple in silico algorithms, and/or has population frequency not consistent with disease.

NM_147127.5(EVC2):c.706+173A>G

Gene: EVC2 (EvC ciliary complex subunit 2; minus strand). Cytogenetic location: 4p16.2.
Variant type: single nucleotide variant.
Coding change: c.706+173A>G on transcript NM_147127.5 (MANE Select); 173 bases into the intron after coding-DNA position 706, A replaced by G.
Molecular consequence: intron variant.
Genome position (GRCh38, 1-based): chr4:5,688,984, T>C on the plus strand (A>G on the coding strand, the complement: EVC2 is on the minus strand). VCF-style: chr4-5688984-T-C. GRCh37 (hg19) VCF-style: chr4-5690711-T-C.
Other names: c.466+173A>G (NM_001166136.2).
Identifiers: ClinVar variation 667863 (VCV000667863.1), dbSNP rs28483214, ClinGen allele CA91714151.